The following is an entry in ClinVar:

ClinVar aggregate classification (germline): Uncertain significance (1 of 4 stars; one submission).

Submission:

GeneDx
Classification: Uncertain significance. Last evaluated: 2019-12-10. Review status: criteria provided, single submitter. Criteria: GeneDx Variant Classification Process June 2021. Collection method: clinical testing. Allele origin: germline. Affected: yes.
Comment: Not observed in large population cohorts (Lek et al., 2016); In silico analysis, which includes protein predictors and evolutionary conservation, supports a deleterious effect; Has not been previously published as pathogenic or benign to our knowledge

NM_020822.3(KCNT1):c.1997T>C (p.Ile666Thr)

Gene: KCNT1 (potassium sodium-activated channel subfamily T member 1; plus strand). Cytogenetic location: 9q34.3.
Variant type: single nucleotide variant.
Coding change: c.1997T>C on transcript NM_020822.3 (MANE Select); coding-DNA position 1997, T replaced by C.
Protein change: p.Ile666Thr; replaces isoleucine 666 with threonine.
Molecular consequence: missense variant.
Genome position (GRCh38, 1-based): chr9:135,771,084, T>C. VCF-style: chr9-135771084-T-C. GRCh37 (hg19) VCF-style: chr9-138662930-T-C.
Other names: c.1862T>C, p.Ile621Thr (NM_001272003.2); short protein forms I621T, I666T.
Identifiers: ClinVar variation 1304716 (VCV001304716.2), dbSNP rs2131512046, ClinGen allele CA375508901.